The following is an entry in ClinVar:

ClinVar aggregate classification (germline): Uncertain significance (1 of 4 stars; one submission).

gnomAD v4.1: 2 of 1,613,316 alleles (0.00012%); highest among the groups gnomAD compares: Non-Finnish European, 0.000085%; no homozygotes.

Submission:

Labcorp Genetics (formerly Invitae), Labcorp
Classification: Uncertain significance. Last evaluated: 2021-03-22. Review status: criteria provided, single submitter. Criteria: Invitae Variant Classification Sherloc (09022015). Collection method: clinical testing. Allele origin: germline.
Comment: In summary, the available evidence is currently insufficient to determine the role of this variant in disease. Therefore, it has been classified as a Variant of Uncertain Significance. Algorithms developed to predict the effect of missense changes on protein structure and function output the following: SIFT: "Tolerated"; PolyPhen-2: "Benign"; Align-GVGD: "Class C0". The valine amino acid residue is found in multiple mammalian species, suggesting that this missense change does not adversely affect protein function. These predictions have not been confirmed by published functional studies and their clinical significance is uncertain. This variant has not been reported in the literature in individuals with PPCS-related conditions. This variant is not present in population databases (ExAC no frequency). This sequence change replaces alanine with valine at codon 104 of the PPCS protein (p.Ala104Val). The alanine residue is weakly conserved and there is a small physicochemical difference between alanine and valine.

NM_024664.4(PPCS):c.311C>T (p.Ala104Val)

Genes: CCDC30 (coiled-coil domain containing 30; plus strand), PPCS (phosphopantothenoylcysteine synthetase; plus strand), LOC129930344 (ATAC-STARR-seq lymphoblastoid active region 894; plus strand). Cytogenetic location: 1p34.2.
Variant type: single nucleotide variant.
Coding change: c.311C>T on transcript NM_024664.4 (MANE Select); coding-DNA position 311, C replaced by T.
Protein change: p.Ala104Val; replaces alanine 104 with valine.
Molecular consequence: missense variant. On other transcripts: intron variant (6), 5 prime UTR variant (1).
Genome position (GRCh38, 1-based): chr1:42,456,876, C>T. VCF-style: chr1-42456876-C-T. GRCh37 (hg19) VCF-style: chr1-42922547-C-T.
Other names: c.-327-371C>T (NM_001287507.1); c.-11-371C>T (NM_001287506.1); c.-12+152C>T (NM_001287508.2); c.-12+248C>T (NM_001077447.3); c.-12+293C>T (NM_001287509.2); c.-382C>T (NM_001287510.2); c.311C>T, p.Ala104Val (NM_001287511.2); c.-983-371C>T (NM_001355226.2); short protein forms A104V.
Identifiers: ClinVar variation 1489373 (VCV001489373.8), dbSNP rs2148415586, ClinGen allele CA339945059.